The following is an entry in ClinVar:

ClinVar aggregate classification (germline): Uncertain significance (1 of 4 stars; one submission).

Allele frequency attached by ClinVar (database versions not stated): gnomAD exomes 0.00001.
gnomAD v4.1: 5 of 1,614,110 alleles (0.00031%); highest among the groups gnomAD compares: East Asian, 0.0067%; no homozygotes.

Submission:

Labcorp Genetics (formerly Invitae), Labcorp
Classification: Uncertain significance. Last evaluated: 2025-05-19. Review status: criteria provided, single submitter. Criteria: Invitae Variant Classification Sherloc (09022015). Collection method: clinical testing. Allele origin: germline.
Comment: This sequence change replaces glycine, which is neutral and non-polar, with alanine, which is neutral and non-polar, at codon 14 of the POLR1A protein (p.Gly14Ala). This variant is present in population databases (no rsID available, gnomAD 0.01%). This variant has not been reported in the literature in individuals affected with POLR1A-related conditions. ClinVar contains an entry for this variant (Variation ID: 1718978). Invitae Evidence Modeling of protein sequence and biophysical properties (such as structural, functional, and spatial information, amino acid conservation, physicochemical variation, residue mobility, and thermodynamic stability) indicates that this missense variant is not expected to disrupt POLR1A protein function with a negative predictive value of 80%. In summary, the available evidence is currently insufficient to determine the role of this variant in disease. Therefore, it has been classified as a Variant of Uncertain Significance.

NM_015425.6(POLR1A):c.41G>C (p.Gly14Ala)

Genes: POLR1A (RNA polymerase I subunit A; minus strand), LOC129934243 (ATAC-STARR-seq lymphoblastoid active region 16153; plus strand). Cytogenetic location: 2p11.2.
Variant type: single nucleotide variant.
Coding change: c.41G>C on transcript NM_015425.6 (MANE Select); coding-DNA position 41, G replaced by C.
Protein change: p.Gly14Ala; replaces glycine 14 with alanine.
Molecular consequence: missense variant.
Genome position (GRCh38, 1-based): chr2:86,105,736, C>G on the plus strand (G>C on the coding strand, the complement: POLR1A is on the minus strand). VCF-style: chr2-86105736-C-G. GRCh37 (hg19) VCF-style: chr2-86332859-C-G.
Other names: short protein forms G14A.
Identifiers: ClinVar variation 1718978 (VCV001718978.6), dbSNP rs1474370787, ClinGen allele CA347559294.